The following is an entry in ClinVar:

NM_015466.4(PTPN23):c.4376G>A (p.Arg1459His)

Gene: PTPN23 (protein tyrosine phosphatase non-receptor type 23; plus strand). Cytogenetic location: 3p21.31.
Variant type: single nucleotide variant.
Coding change: c.4376G>A on transcript NM_015466.4 (MANE Select); coding-DNA position 4376, G replaced by A.
Protein change: p.Arg1459His; replaces arginine 1459 with histidine.
Molecular consequence: missense variant.
Genome position (GRCh38, 1-based): chr3:47,412,572, G>A. VCF-style: chr3-47412572-G-A. GRCh37 (hg19) VCF-style: chr3-47454062-G-A.
Other names: c.3998G>A, p.Arg1333His (NM_001304482.2); short protein forms R1333H, R1459H.
Identifiers: ClinVar variation 1414264 (VCV001414264.4), dbSNP rs754321951, ClinGen allele CA2366581.
Genomic context (GRCh38, chr3:47,412,572, plus strand): 5'-AGCTGCACCTCAGGTTCTGCTATGAGGCAGTGGTGAGACACGTGGAGCAGGTCCTGCAGC[G>A]CCATGGTGTGCCTCCTCCATGCAAACCCTTGGCCAGTGCAAGCATCAGCCAGAAGGTGAG-3'
Protein context (NP_056281.1, residues 1449-1469): VVRHVEQVLQ[Arg1459His]HGVPPPCKPL

ClinVar aggregate classification (germline): Uncertain significance (1 of 4 stars; one submission).

Allele frequency attached by ClinVar (database versions not stated): ExAC 0.00001; gnomAD exomes 0.00001 and 0.00004; gnomAD 0.00002 and 0.00003; TOPMed 0.00005.
gnomAD v4.1: 23 of 1,613,530 alleles (0.0014%); highest among the groups gnomAD compares: Admixed American, 0.012%; no homozygotes.

Submission:

Labcorp Genetics (formerly Invitae), Labcorp
Classification: Uncertain significance. Last evaluated: 2023-10-03. Review status: criteria provided, single submitter. Criteria: Invitae Variant Classification Sherloc (09022015). Collection method: clinical testing. Allele origin: germline.
Comment: This sequence change replaces arginine, which is basic and polar, with histidine, which is basic and polar, at codon 1459 of the PTPN23 protein (p.Arg1459His). This variant is present in population databases (rs754321951, gnomAD 0.01%). This variant has not been reported in the literature in individuals affected with PTPN23-related conditions. ClinVar contains an entry for this variant (Variation ID: 1414264). An algorithm developed to predict the effect of missense changes on protein structure and function (PolyPhen-2) suggests that this variant is likely to be disruptive. In summary, the available evidence is currently insufficient to determine the role of this variant in disease. Therefore, it has been classified as a Variant of Uncertain Significance.